The following is an entry in ClinVar:

NM_001291303.3(FAT4):c.12475G>T (p.Asp4159Tyr)

Gene: FAT4 (FAT atypical cadherin 4; plus strand). Cytogenetic location: 4q28.1.
Variant type: single nucleotide variant.
Coding change: c.12475G>T on transcript NM_001291303.3 (MANE Select); coding-DNA position 12475, G replaced by T.
Protein change: p.Asp4159Tyr; replaces aspartic acid 4159 with tyrosine.
Molecular consequence: missense variant.
Genome position (GRCh38, 1-based): chr4:125,477,330, G>T. VCF-style: chr4-125477330-G-T. GRCh37 (hg19) VCF-style: chr4-126398485-G-T.
Other names: c.12475G>T, p.Asp4159Tyr (NM_001291285.3); c.12469G>T, p.Asp4157Tyr (NM_024582.6); short protein forms D4159Y, D4157Y.
Identifiers: ClinVar variation 1366733 (VCV001366733.8), dbSNP rs141297199, ClinGen allele CA104865230.

ClinVar aggregate classification (germline): Uncertain significance (1 of 4 stars; one submission).

Allele frequency attached by ClinVar (database versions not stated): TOPMed below 0.00001; ESP Exome Variant Server 0.00008.
gnomAD v4.1: 8 of 1,564,270 alleles (0.00051%); highest among the groups gnomAD compares: Non-Finnish European, 0.00069%; no homozygotes.

Submission:

Labcorp Genetics (formerly Invitae), Labcorp
Classification: Uncertain significance. Last evaluated: 2021-04-30. Review status: criteria provided, single submitter. Criteria: Invitae Variant Classification Sherloc (09022015). Collection method: clinical testing. Allele origin: germline.
Comment: In summary, the available evidence is currently insufficient to determine the role of this variant in disease. Therefore, it has been classified as a Variant of Uncertain Significance. Advanced modeling of protein sequence and biophysical properties (such as structural, functional, and spatial information, amino acid conservation, physicochemical variation, residue mobility, and thermodynamic stability) performed at Invitae indicates that this missense variant is not expected to disrupt FAT4 protein function. This variant has not been reported in the literature in individuals with FAT4-related conditions. This variant is not present in population databases (ExAC no frequency). This sequence change replaces aspartic acid with tyrosine at codon 4157 of the FAT4 protein (p.Asp4157Tyr). The aspartic acid residue is highly conserved and there is a large physicochemical difference between aspartic acid and tyrosine.